The following is an entry in ClinVar:

NM_152564.5(VPS13B):c.2959G>A (p.Val987Ile)

Gene: VPS13B (vacuolar protein sorting 13 homolog B; plus strand). Cytogenetic location: 8q22.2.
Variant type: single nucleotide variant.
Coding change: c.2959G>A on transcript NM_152564.5 (MANE Select); coding-DNA position 2959, G replaced by A.
Protein change: p.Val987Ile; replaces valine 987 with isoleucine.
Molecular consequence: missense variant.
Genome position (GRCh38, 1-based): chr8:99,391,581, G>A. VCF-style: chr8-99391581-G-A. GRCh37 (hg19) VCF-style: chr8-100403809-G-A.
Other names: c.2959G>A, p.Val987Ile (NM_017890.5); short protein forms V987I.
Identifiers: ClinVar variation 1041060 (VCV001041060.7), dbSNP rs1814450578, ClinGen allele CA371865614.
Genomic context (GRCh38, chr8:99,391,581, plus strand): 5'-AAAAACTAAAAAGGTTTTCATTTTGTCTCTTTCCAGCAGCCTGTGGTAGCTGTTCCTCTT[G>A]TTATGCCAGTTTGTAGAAGGAAAGAGGATGAGGTGTCTATTGGAAGTGCCCCCTTGGCAA-3'
Protein context (NP_689777.3, residues 977-997): QQQPVVAVPL[Val987Ile]MPVCRRKEDE

ClinVar aggregate classification (germline): Uncertain significance (1 of 4 stars; one submission).

Conditions:
Cohen syndrome (COH1). Also called: PEPPER SYNDROME; Cutis verticis gyrata, retinitis pigmentosa, and sensorineural deafness. Identifiers: Orphanet 193, MedGen C0265223, MONDO:0008999, OMIM 216550.

Submission:

Labcorp Genetics (formerly Invitae), Labcorp
Classification: Uncertain significance for Cohen syndrome. Last evaluated: 2020-03-25. Review status: criteria provided, single submitter. Criteria: Invitae Variant Classification Sherloc (09022015). Collection method: clinical testing. Allele origin: germline.
Comment: This variant is not present in population databases (ExAC no frequency). This sequence change replaces valine with isoleucine at codon 987 of the VPS13B protein (p.Val987Ile). The valine residue is weakly conserved and there is a small physicochemical difference between valine and isoleucine. This variant has not been reported in the literature in individuals with VPS13B-related conditions. In summary, the available evidence is currently insufficient to determine the role of this variant in disease. Therefore, it has been classified as a Variant of Uncertain Significance. Algorithms developed to predict the effect of missense changes on protein structure and function output the following: SIFT: "Not Available"; PolyPhen-2: "Benign"; Align-GVGD: "Not Available". The isoleucine amino acid residue is found in multiple mammalian species, suggesting that this missense change does not adversely affect protein function. These predictions have not been confirmed by published functional studies and their clinical significance is uncertain.